The following is an entry in ClinVar:

ClinVar aggregate classification (germline): Likely benign (1 of 4 stars; one submission).

Allele frequency attached by ClinVar (database versions not stated): gnomAD 0.00003.

Submission:

CeGaT Center for Human Genetics Tuebingen
Classification: Likely benign. Last evaluated: 2023-08-01. Review status: criteria provided, single submitter. Criteria: CeGaT Center For Human Genetics Tuebingen Variant Classification Criteria Version 2. Collection method: clinical testing. Allele origin: germline. Affected: yes. Observed: 1 variant allele.
Comment: MUC4: BP4, BP7

NM_018406.7(MUC4):c.10989C>G (p.Thr3663=)

Gene: MUC4 (mucin 4, cell surface associated). Cytogenetic location: 3q29.
Variant type: single nucleotide variant.
Coding change: c.10989C>G on transcript NM_018406.7 (MANE Select); coding-DNA position 10989, C replaced by G.
Protein change: p.Thr3663=; no amino-acid change (threonine 3663 retained).
Molecular consequence: synonymous variant. On other transcripts: genic upstream transcript variant (2).
Genome position (GRCh38, 1-based): chr3:195,780,591, G>C on the plus strand (C>G on the coding strand, the complement: MUC4 is on the minus strand). VCF-style: chr3-195780591-G-C. GRCh37 (hg19) VCF-style: chr3-195507462-G-C.
Other names: c.15807C>G, p.Thr5269= (NM_001322468.1); c.83-6286C>G (NM_138297.5); c.83-2136C>G (NM_004532.6).
Identifiers: ClinVar variation 2654412 (VCV002654412.24), dbSNP rs1578225894, ClinGen allele CA438036140.